The following is an entry in ClinVar:

ClinVar aggregate classification (germline): Uncertain significance (1 of 4 stars; one submission).

Conditions:
Hereditary cancer-predisposing syndrome. Also called: Neoplastic Syndromes, Hereditary; Tumor predisposition; Hereditary Cancer Syndrome; Hereditary neoplastic syndrome. Identifiers: Orphanet 140162, MedGen C0027672, MeSH D009386, MONDO:0015356.

Submission:

Ambry Genetics
Classification: Uncertain significance for Hereditary cancer-predisposing syndrome. Last evaluated: 2025-09-16. Review status: criteria provided, single submitter. Criteria: Ambry Variant Classification Scheme 2023. Collection method: clinical testing. Allele origin: germline.
Comment: The p.D213A variant (also known as c.638A>C), located in coding exon 7 of the POLE gene, results from an A to C substitution at nucleotide position 638. The aspartic acid at codon 213 is replaced by alanine, an amino acid with dissimilar properties. This amino acid position is well conserved in available vertebrate species. In addition, this alteration is predicted to be tolerated by in silico analysis. Based on the available evidence, the clinical significance of this variant remains unclear.

NM_006231.4(POLE):c.638A>C (p.Asp213Ala)

Gene: POLE (DNA polymerase epsilon, catalytic subunit; minus strand). Cytogenetic location: 12q24.33.
Variant type: single nucleotide variant.
Coding change: c.638A>C on transcript NM_006231.4 (MANE Select); coding-DNA position 638, A replaced by C.
Protein change: p.Asp213Ala; replaces aspartic acid 213 with alanine.
Molecular consequence: missense variant.
Genome position (GRCh38, 1-based): chr12:132,677,660, T>G on the plus strand (A>C on the coding strand, the complement: POLE is on the minus strand). VCF-style: chr12-132677660-T-G. GRCh37 (hg19) VCF-style: chr12-133254246-T-G.
Other names: short protein forms D213A.
Identifiers: ClinVar variation 4671392 (VCV004671392.1).